The following is an entry in ClinVar:

ClinVar aggregate classification (germline): Likely benign. Review status: criteria provided, multiple submitters, no conflicts (2 of 4 stars). 2 submissions from 2 submitters: Likely benign (2). Last evaluated 2026-07-01.

Conditions:
RPGRIP1L-related disorder. Also called: RPGRIP1L-related condition; RPGRIP1L-related disorders. Identifiers: MedGen CN239416.

gnomAD v4.1: 2 of 658,054 alleles (0.0003%); highest among the groups gnomAD compares: Non-Finnish European, 0.00056%; no homozygotes.

Submissions (2):

CeGaT Center for Human Genetics Tuebingen
Classification: Likely benign. Last evaluated: 2026-07-01. Review status: criteria provided, single submitter. Criteria: CeGaT Center For Human Genetics Tuebingen Variant Classification Criteria Version 2. Collection method: clinical testing. Allele origin: germline. Affected: yes. Observed: 1 variant allele.
Comment: RPGRIP1L: BP4, BP7

PreventionGenetics, part of Exact Sciences
Classification: Likely benign for RPGRIP1L-related condition. Last evaluated: 2025-08-06. Review status: criteria provided, single submitter. Criteria: ACMG Guidelines, 2015. Collection method: clinical testing. Allele origin: germline.
Comment: This variant is classified as likely benign based on ACMG/AMP sequence variant interpretation guidelines (Richards et al. 2015 PMID: 25741868, with internal and published modifications).

NM_015272.5(RPGRIP1L):c.3360C>G (p.Leu1120=)

Gene: RPGRIP1L (RPGRIP1 like; minus strand). Cytogenetic location: 16q12.2.
Variant type: single nucleotide variant.
Coding change: c.3360C>G on transcript NM_015272.5 (MANE Select); coding-DNA position 3360, C replaced by G.
Protein change: p.Leu1120=; no amino-acid change (leucine 1120 retained).
Molecular consequence: synonymous variant. On other transcripts: intron variant (2).
Genome position (GRCh38, 1-based): chr16:53,622,291, G>C on the plus strand (C>G on the coding strand, the complement: RPGRIP1L is on the minus strand). VCF-style: chr16-53622291-G-C. GRCh37 (hg19) VCF-style: chr16-53656203-G-C.
Other names: c.3258C>G, p.Leu1086= (NM_001330538.2); c.3193-3083C>G (NM_001127897.4); c.3295-3083C>G (NM_001308334.3).
Identifiers: ClinVar variation 4998684 (VCV004998684.2).